The following is an entry in ClinVar:

ClinVar aggregate classification (germline): Pathogenic/Likely pathogenic. Review status: criteria provided, multiple submitters, no conflicts (2 of 4 stars). 6 submissions from 6 submitters: Pathogenic (5); Likely pathogenic (1). Last evaluated 2026-10-06.
ClinVar aggregate classification (oncogenicity): Likely oncogenic (1 of 4 stars; one submission).

Conditions:
Neurofibromatosis, type 1 (NF1). Also called: VON RECKLINGHAUSEN DISEASE; Peripheral type neurofibromatosis; Neurofibromatosis, type I; NEUROFIBROMATOSIS, TYPE I, SOMATIC. Identifiers: Orphanet 636, MedGen C0027831, MONDO:0018975, OMIM 162200. Disease mechanism: loss of function.
Hereditary cancer-predisposing syndrome. Also called: Hereditary Cancer Syndrome; Tumor predisposition; Neoplastic Syndromes, Hereditary; Hereditary neoplastic syndrome. Identifiers: Orphanet 140162, MedGen C0027672, MeSH D009386, MONDO:0015356.
Cardiovascular phenotype. Identifiers: MedGen CN230736.
Cafe-au-lait spot. Also called: Café-au-lait spot; café-au-lait spots; Café au Lait. Identifiers: MedGen C0221263, HP:0000957.
Neoplasm. Also called: tumor; Neoplasms; Neoplasm (disease). Identifiers: MedGen C0027651, MeSH D009369, MONDO:0005070, HP:0002664.

Submissions (7):

NHS Central & South Genomic Laboratory Hub
Classification: Pathogenic for Neurofibromatosis type 1. Last evaluated: 2026-10-06. Review status: criteria provided, single submitter. Criteria: ACMG Guidelines, 2015. Collection method: clinical testing. Allele origin: germline. Affected: yes.

GeneDx
Classification: Pathogenic. Last evaluated: 2026-09-14. Review status: criteria provided, single submitter. Criteria: GeneDx Variant Classification Process June 2021. Collection method: clinical testing. Allele origin: germline.
Comment: Canonical splice site variant predicted to result in a null allele in a gene for which loss-of-function is a known mechanism of disease; Not observed at significant frequency in large population cohorts (gnomAD); This variant is associated with the following publications: (PMID: 25525159, 16835897, 29593478)

Labcorp Genetics (formerly Invitae), Labcorp
Classification: Pathogenic for Neurofibromatosis, type 1. Last evaluated: 2025-08-05. Review status: criteria provided, single submitter. Criteria: Invitae Variant Classification Sherloc (09022015). Collection method: clinical testing. Allele origin: germline.
Comment: This sequence change affects a donor splice site in intron 42 of the NF1 gene. It is expected to disrupt RNA splicing. Variants that disrupt the donor or acceptor splice site typically lead to a loss of protein function (PMID: 16199547), and loss-of-function variants in NF1 are known to be pathogenic (PMID: 10712197, 23913538). This variant is not present in population databases (gnomAD no frequency). Disruption of this splice site has been observed in individual(s) with neurofibromatosis type 1 (PMID: 16835897; internal data). Invitae Evidence Modeling of clinical and family history, age, sex, and reported ancestry of multiple individuals with this NF1 variant has been performed. This variant is expected to be pathogenic with a positive predictive value of at least 99%. This is a validated machine learning model that incorporates the clinical features of 1,785,918 individuals referred to our laboratory for NF1 testing. ClinVar contains an entry for this variant (Variation ID: 523343). Studies have shown that disruption of this splice site is associated with altered splicing resulting in unknown protein product impact (internal data). For these reasons, this variant has been classified as Pathogenic.

Ambry Genetics
Classification: Likely pathogenic for Cardiovascular phenotype; Hereditary cancer-predisposing syndrome. Last evaluated: 2025-04-21. Review status: criteria provided, single submitter. Criteria: Ambry Variant Classification Scheme 2023. Collection method: clinical testing. Allele origin: germline.
Comment: The c.6579+1G>A intronic variant results from a G to A substitution one nucleotide after coding exon 42 of the NF1 gene. This alteration was observed in 1 of 77 Taiwanese/Chinese patients meeting diagnostic criteria for neurofibromatosis type 1 (NF1) (Lee MJ et al. Hum Mutat, 2006 Aug;27:832). This variant is considered to be rare based on population cohorts in the Genome Aggregation Database (gnomAD). This nucleotide position is highly conserved in available vertebrate species. In silico splice site analysis predicts that this alteration will weaken the native splice donor site and may result in the creation or strengthening of a novel splice donor site. In addition to the clinical data presented in the literature, alterations that disrupt the canonical splice site are expected to cause aberrant splicing, resulting in an abnormal protein or a transcript that is subject to nonsense-mediated mRNA decay. As such, this alteration is classified as likely pathogenic.

Center for Genomic Medicine, Rigshospitalet, Copenhagen University Hospital
Classification: Likely oncogenic for Neoplasm. Last evaluated: 2025-03-04. Review status: criteria provided, single submitter. Criteria: ClinGen/CGC/VICC Guidelines for Oncogenicity, 2022. Collection method: clinical testing. Allele origin: somatic. Affected: yes.

Genome-Nilou Lab
Classification: Pathogenic for Neurofibromatosis, type 1. Last evaluated: 2022-03-15. Review status: criteria provided, single submitter. Criteria: ACMG Guidelines, 2015. Collection method: clinical testing. Allele origin: germline. Affected: no.

Centre for Mendelian Genomics, University Medical Centre Ljubljana
Classification: Pathogenic for Cafe-au-lait spot. Last evaluated: 2017-01-01. Review status: criteria provided, single submitter. Criteria: ACMG Guidelines, 2015. Collection method: clinical testing. Allele origin: unknown. Affected: yes.

Literature cited by the submitters: PubMed 16199547 (cited by Labcorp Genetics (formerly Invitae), Labcorp); PubMed 10712197 (cited by Labcorp Genetics (formerly Invitae), Labcorp); PubMed 23913538 (cited by Labcorp Genetics (formerly Invitae), Labcorp and Center for Genomic Medicine, Rigshospitalet, Copenhagen University Hospital); PubMed 16835897 (cited by 3 submitters).

NM_001042492.3(NF1):c.6642+1G>A

Gene: NF1 (neurofibromin 1; plus strand). Cytogenetic location: 17q11.2.
Variant type: single nucleotide variant.
Coding change: c.6642+1G>A on transcript NM_001042492.3 (MANE Select); the canonical splice donor site of the intron after coding-DNA position 6642, G replaced by A.
Molecular consequence: splice donor variant.
Genome position (GRCh38, 1-based): chr17:31,337,583, G>A. VCF-style: chr17-31337583-G-A. GRCh37 (hg19) VCF-style: chr17-29664601-G-A.
Other names: c.6579+1G>A (NM_000267.4).
Identifiers: ClinVar variation 523343 (VCV000523343.14), dbSNP rs1060500345, ClinGen allele CA399013596.
Genomic context (GRCh38, chr17:31,337,583, plus strand): 5'-GAGACTTTTGCTTTGACATCCTTGGAAACAGTCACAGAAGCTTTGTTGGAGATCATGGAG[G>A]TATAGAAGCCAAAATGATAAGAAACTAAGTTAAAATCTTTTTTTAAAAATATGTTAATAC-3'